The following is an entry in ClinVar:

NM_182914.3(SYNE2):c.18998G>T (p.Cys6333Phe)

Gene: SYNE2 (spectrin repeat containing nuclear envelope protein 2; plus strand). Cytogenetic location: 14q23.2.
Variant type: single nucleotide variant.
Coding change: c.18998G>T on transcript NM_182914.3 (MANE Select); coding-DNA position 18998, G replaced by T.
Protein change: p.Cys6333Phe; replaces cysteine 6333 with phenylalanine.
Molecular consequence: missense variant.
Genome position (GRCh38, 1-based): chr14:64,212,947, G>T. VCF-style: chr14-64212947-G-T. GRCh37 (hg19) VCF-style: chr14-64679665-G-T.
Other names: c.18998G>T, p.Cys6333Phe (NM_015180.6); short protein forms C6333F.
Identifiers: ClinVar variation 4811127 (VCV004811127.1).
Genomic context (GRCh38, chr14:64,212,947, plus strand): 5'-AGAGCGAGCCCCTGGATGCTGTGCTGATTGAGGATGAGCTGGAGGAACTCCACCGCTACT[G>T]CCAGGAGGTGTTTGGAAGGGTCTCCCGGTTCCACCGGCGGCTCACCTCCTGCACTCCGGT-3'
Protein context (NP_878918.2, residues 6323-6343): EDELEELHRY[Cys6333Phe]QEVFGRVSRF

ClinVar aggregate classification (germline): Uncertain significance (1 of 4 stars; one submission).

Conditions:
Emery-Dreifuss muscular dystrophy 5, autosomal dominant (EDMD5). Also called: EMERY-DREIFUSS MUSCULAR DYSTROPHY 5. Identifiers: Orphanet 261, MedGen C2751805, MONDO:0013072, OMIM 612999.

gnomAD v4.1: 45 of 1,614,064 alleles (0.0028%); highest among the groups gnomAD compares: Non-Finnish European, 0.0037%; no homozygotes.

Submission:

Labcorp Genetics (formerly Invitae), Labcorp
Classification: Uncertain significance for Emery-Dreifuss muscular dystrophy 5, autosomal dominant. Last evaluated: 2025-11-15. Review status: criteria provided, single submitter. Criteria: Invitae Variant Classification Sherloc (09022015). Collection method: clinical testing. Allele origin: germline.
Comment: This sequence change replaces cysteine, which is neutral and slightly polar, with phenylalanine, which is neutral and non-polar, at codon 6333 of the SYNE2 protein (p.Cys6333Phe). This variant is present in population databases (rs768044506, gnomAD 0.002%). This variant has not been reported in the literature in individuals affected with SYNE2-related conditions. An algorithm developed to predict the effect of missense changes on protein structure and function (PolyPhen-2) suggests that this variant is likely to be disruptive. In summary, the available evidence is currently insufficient to determine the role of this variant in disease. Therefore, it has been classified as a Variant of Uncertain Significance.